The following is an entry in ClinVar:

NM_020549.5(CHAT):c.206C>A (p.Pro69His)

Gene: CHAT (choline O-acetyltransferase; plus strand). Cytogenetic location: 10q11.23.
Variant type: single nucleotide variant.
Coding change: c.206C>A on transcript NM_020549.5 (MANE Select); coding-DNA position 206, C replaced by A.
Protein change: p.Pro69His; replaces proline 69 with histidine.
Molecular consequence: missense variant. On other transcripts: 5 prime UTR variant (4), intron variant (2).
Genome position (GRCh38, 1-based): chr10:49,614,395, C>A. VCF-style: chr10-49614395-C-A. GRCh37 (hg19) VCF-style: chr10-50822441-C-A.
Other names: c.-149C>A (NM_001142929.2, NM_020985.4); c.-111C>A (NM_001142933.2); c.-219C>A (NM_001142934.2); c.-68-2107C>A (NM_020984.4); c.-69+1193C>A (NM_020986.4); short protein forms P69H.
Identifiers: ClinVar variation 573329 (VCV000573329.6), dbSNP rs1283840204, ClinGen allele CA376725311.

ClinVar aggregate classification (germline): Uncertain significance (1 of 4 stars; one submission).

Conditions:
Familial infantile myasthenia (CMS6). Also called: MYASTHENIC SYNDROME, PRESYNAPTIC, CONGENITAL, ASSOCIATED WITH EPISODIC APNEA; Congenital myasthenic syndrome type 6; MYASTHENIC SYNDROME, CONGENITAL, 6, PRESYNAPTIC. Identifiers: Orphanet 590, MedGen C0393929, MONDO:0009689, OMIM 254210.

Submission:

Labcorp Genetics (formerly Invitae), Labcorp
Classification: Uncertain significance for Familial infantile myasthenia. Last evaluated: 2022-07-06. Review status: criteria provided, single submitter. Criteria: Invitae Variant Classification Sherloc (09022015). Collection method: clinical testing. Allele origin: germline.
Comment: This sequence change replaces proline, which is neutral and non-polar, with histidine, which is basic and polar, at codon 69 of the CHAT protein (p.Pro69His). This variant is not present in population databases (gnomAD no frequency). This variant has not been reported in the literature in individuals affected with CHAT-related conditions. ClinVar contains an entry for this variant (Variation ID: 573329). Advanced modeling of protein sequence and biophysical properties (such as structural, functional, and spatial information, amino acid conservation, physicochemical variation, residue mobility, and thermodynamic stability) performed at Invitae indicates that this missense variant is not expected to disrupt CHAT protein function. In summary, the available evidence is currently insufficient to determine the role of this variant in disease. Therefore, it has been classified as a Variant of Uncertain Significance.